The following is an entry in ClinVar:

NM_145290.4(ADGRA3):c.1495C>G (p.Arg499Gly)

Gene: ADGRA3 (adhesion G protein-coupled receptor A3; minus strand). Cytogenetic location: 4p15.2.
Variant type: single nucleotide variant.
Coding change: c.1495C>G on transcript NM_145290.4 (MANE Select); coding-DNA position 1495, C replaced by G.
Protein change: p.Arg499Gly; replaces arginine 499 with glycine.
Molecular consequence: missense variant.
Genome position (GRCh38, 1-based): chr4:22,424,301, G>C on the plus strand (C>G on the coding strand, the complement: ADGRA3 is on the minus strand). VCF-style: chr4-22424301-G-C. GRCh37 (hg19) VCF-style: chr4-22425924-G-C.
Other names: short protein forms R499G.
Identifiers: ClinVar variation 1482590 (VCV001482590.6), dbSNP rs551038567, ClinGen allele CA93520512.

ClinVar aggregate classification (germline): Uncertain significance (1 of 4 stars; one submission).

gnomAD v4.1: 14 of 1,613,862 alleles (0.00087%); highest among the groups gnomAD compares: Non-Finnish European, 0.0012%; no homozygotes.

Submission:

Labcorp Genetics (formerly Invitae), Labcorp
Classification: Uncertain significance. Last evaluated: 2021-08-31. Review status: criteria provided, single submitter. Criteria: Invitae Variant Classification Sherloc (09022015). Collection method: clinical testing. Allele origin: germline.
Comment: Algorithms developed to predict the effect of missense changes on protein structure and function are either unavailable or do not agree on the potential impact of this missense change (SIFT: "Deleterious"; PolyPhen-2: "Probably Damaging"; Align-GVGD: "Class C0"). This sequence change replaces arginine with glycine at codon 499 of the ADGRA3 protein (p.Arg499Gly). The arginine residue is highly conserved and there is a moderate physicochemical difference between arginine and glycine. This variant is not present in population databases (ExAC no frequency). This variant has not been reported in the literature in individuals affected with ADGRA3-related conditions. Algorithms developed to predict the effect of sequence changes on RNA splicing suggest that this variant may create or strengthen a splice site. In summary, the available evidence is currently insufficient to determine the role of this variant in disease. Therefore, it has been classified as a Variant of Uncertain Significance.